The following is an entry in ClinVar:

ClinVar aggregate classification (germline): Uncertain significance (1 of 4 stars; one submission).

Submission:

Labcorp Genetics (formerly Invitae), Labcorp
Classification: Uncertain significance. Last evaluated: 2024-05-25. Review status: criteria provided, single submitter. Criteria: Invitae Variant Classification Sherloc (09022015). Collection method: clinical testing. Allele origin: germline.
Comment: This sequence change creates a premature translational stop signal (p.Leu67Profs*37) in the ZNF408 gene. It is expected to result in an absent or disrupted protein product. However, the current clinical and genetic evidence is not sufficient to establish whether loss-of-function variants in ZNF408 cause disease. This variant is not present in population databases (gnomAD no frequency). This variant has not been reported in the literature in individuals affected with ZNF408-related conditions. In summary, the available evidence is currently insufficient to determine the role of this variant in disease. Therefore, it has been classified as a Variant of Uncertain Significance.

NM_024741.3(ZNF408):c.198_201del (p.Leu67fs)

Gene: ZNF408 (zinc finger protein 408; plus strand). Cytogenetic location: 11p11.2.
Variant type: Deletion.
Coding change: c.198_201del on transcript NM_024741.3 (MANE Select); coding-DNA positions 198 to 201, 4 bases deleted (ACTC; older notation c.198_201delACTC).
Protein change: p.Leu67fs; shifts the reading frame from leucine 67.
Molecular consequence: frameshift variant.
Genome position (GRCh38, 1-based): chr11:46,701,544-46,701,547, ACTC deleted; deleting any 4 consecutive bases within chr11:46,701,541-46,701,547 gives the same sequence; the c. name uses the placement nearest the transcript's 3' end. VCF-style (leftmost placement, unchanged base first): chr11-46701540-CCTCA-C. GRCh37 (hg19) VCF-style: chr11-46723090-CCTCA-C.
Other names: c.174_177del, p.Leu59fs (NM_001184751.2); short protein forms L59fs, L67fs.
Identifiers: ClinVar variation 3653872 (VCV003653872.2).